The following is an entry in ClinVar:

NM_198253.3(TERT):c.943C>A (p.Arg315Ser)

Gene: TERT (telomerase reverse transcriptase; minus strand). Cytogenetic location: 5p15.33.
Variant type: single nucleotide variant.
Coding change: c.943C>A on transcript NM_198253.3 (MANE Select); coding-DNA position 943, C replaced by A.
Protein change: p.Arg315Ser; replaces arginine 315 with serine.
Molecular consequence: missense variant. On other transcripts: non-coding transcript variant (2).
Genome position (GRCh38, 1-based): chr5:1,293,943, G>T on the plus strand (C>A on the coding strand, the complement: TERT is on the minus strand). VCF-style: chr5-1293943-G-T. GRCh37 (hg19) VCF-style: chr5-1294058-G-T.
Other names: c.943C>A, p.Arg315Ser (NM_001193376.3); short protein forms R315S.
Identifiers: ClinVar variation 436988 (VCV000436988.13), dbSNP rs1554042911, ClinGen allele CA359056111.

ClinVar aggregate classification (germline): Conflicting classifications of pathogenicity. Review status: criteria provided, conflicting classifications (1 of 4 stars). 3 submissions from 3 submitters: Uncertain significance (2); Likely benign (1). Last evaluated 2025-05-25.

Conditions:
Dyskeratosis congenita, autosomal dominant 2. Identifiers: MedGen C3151443, MONDO:0013521, OMIM 613989.
Idiopathic Pulmonary Fibrosis. Also called: Idiopathic fibrosing alveolitis, chronic form; idiopathic fibrosing alveolitis. Identifiers: Orphanet 2032, MedGen C1800706, MeSH D054990, MONDO:0800504.
Dyskeratosis congenita. Identifiers: Orphanet 1775, MedGen C0265965, MONDO:0015780.

Allele frequency attached by ClinVar (database versions not stated): gnomAD exomes below 0.00001.
gnomAD v4.1: 1 of 1,546,518 alleles (0.000065%); highest among the groups gnomAD compares: Non-Finnish European, 0.000087%; no homozygotes.

Submissions (3):

Labcorp Genetics (formerly Invitae), Labcorp
Classification: Uncertain significance for Dyskeratosis congenita, autosomal dominant 2; Idiopathic Pulmonary Fibrosis. Last evaluated: 2025-05-25. Review status: criteria provided, single submitter. Criteria: Invitae Variant Classification Sherloc (09022015). Collection method: clinical testing. Allele origin: germline.
Comment: This sequence change replaces arginine, which is basic and polar, with serine, which is neutral and polar, at codon 315 of the TERT protein (p.Arg315Ser). This variant is not present in population databases (gnomAD no frequency). This missense change has been observed in individual(s) with clinical features of common variable immunodeficiency (PMID: 37944684). ClinVar contains an entry for this variant (Variation ID: 436988). Invitae Evidence Modeling of protein sequence and biophysical properties (such as structural, functional, and spatial information, amino acid conservation, physicochemical variation, residue mobility, and thermodynamic stability) indicates that this missense variant is not expected to disrupt TERT protein function with a negative predictive value of 95%. In summary, the available evidence is currently insufficient to determine the role of this variant in disease. Therefore, it has been classified as a Variant of Uncertain Significance.

Ambry Genetics
Classification: Likely benign for Dyskeratosis congenita. Last evaluated: 2022-06-30. Review status: criteria provided, single submitter. Criteria: Ambry Variant Classification Scheme 2023. Collection method: clinical testing. Allele origin: germline.

Genetic Services Laboratory, University of Chicago
Classification: Uncertain significance. Last evaluated: 2016-10-04. Review status: criteria provided, single submitter. Criteria: ACMG Guidelines, 2015. Collection method: clinical testing. Allele origin: germline. Affected: no.

Literature cited by the submitters: PubMed 37944684 (cited by Labcorp Genetics (formerly Invitae), Labcorp).